The following continues an entry in ClinVar:

NM_002693.3(POLG):c.1402A>G (p.Asn468Asp)

Gene: POLG. ClinVar aggregate classification (germline): Conflicting classifications of pathogenicity. Pathogenic (2); Likely pathogenic (6); Uncertain significance (17); Likely benign (1).

Submissions 8 to 25 of 29:

Athena Diagnostics
Classification: Uncertain significance. Last evaluated: 2024-12-23. Review status: criteria provided, single submitter. Criteria: Athena Diagnostics Criteria. Collection method: clinical testing. Allele origin: unknown.
Comment: Available data are insufficient to determine the clinical significance of the variant at this time. The frequency of this variant in the general population is uninformative in assessment of its pathogenicity. This variant has been identified in at least one individual with clinical features associated with this gene. In multiple individuals, this variant has been seen where an alternate explanation for disease was also identified, suggesting this variant is unlikely to cause disease. Polyphen and MutationTaster yielded discordant predictions regarding whether this amino acid change is damaging to the protein.

CeGaT Center for Human Genetics Tuebingen
Classification: Uncertain significance. Last evaluated: 2024-12-01. Review status: criteria provided, single submitter. Criteria: CeGaT Center For Human Genetics Tuebingen Variant Classification Criteria Version 2. Collection method: clinical testing. Allele origin: germline. Affected: yes. Observed: 9 variant alleles.
Comment: POLG: PM2:Supporting, BP4

Blueprint Genetics
Classification: Uncertain significance. Last evaluated: 2024-11-18. Review status: criteria provided, single submitter. Criteria: ACMG Guidelines, 2015. Collection method: clinical testing. Allele origin: germline.

Baylor Genetics
Classification: Likely pathogenic for Progressive sclerosing poliodystrophy. Last evaluated: 2024-03-27. Review status: criteria provided, single submitter. Criteria: ACMG Guidelines, 2015. Collection method: clinical testing. Allele origin: unknown.

Revvity Omics, Revvity
Classification: Uncertain significance. Last evaluated: 2024-02-12. Review status: criteria provided, single submitter. Criteria: ACMG Guidelines, 2015. Collection method: clinical testing. Allele origin: germline.

Ambry Genetics
Classification: Uncertain significance for Inborn genetic diseases. Last evaluated: 2022-07-24. Review status: criteria provided, single submitter. Criteria: Ambry Variant Classification Scheme 2023. Collection method: clinical testing. Allele origin: germline.
Comment: The c.1402A>G (p.N468D) alteration is located in exon 7 (coding exon 6) of the POLG gene. This alteration results from a A to G substitution at nucleotide position 1402, causing the asparagine (N) at amino acid position 468 to be replaced by an aspartic acid (D). The altered amino acid is not conserved throughout evolution:_x000D_ _x000D_ The p.N468 amino acid is not conserved in available vertebrate species. The alteration is predicted benign by in silico models:_x000D_ _x000D_ The p.N468D alteration is predicted to be benign by Polyphen and tolerated by SIFT in silico analyses. Based on insufficient or conflicting evidence, the clinical significance of this alteration remains unclear.

Institute for Clinical Genetics, University Hospital TU Dresden, University Hospital TU Dresden
Classification: Uncertain significance. Last evaluated: 2022-05-20. Review status: criteria provided, single submitter. Criteria: ACMG Guidelines, 2015. Collection method: clinical testing. Allele origin: germline.
Comment: PM3

MGZ Medical Genetics Center
Classification: Uncertain significance for Progressive external ophthalmoplegia with mitochondrial DNA deletions, autosomal recessive 1. Last evaluated: 2022-03-24. Review status: criteria provided, single submitter. Criteria: ACMG Guidelines, 2015. Collection method: clinical testing. Allele origin: germline. Affected: yes. Observed: 1 variant allele.
Comment: ACMG criteria applied: PS4_MOD, PM3, PP1

New York Genome Center
Classification: Uncertain significance for Progressive sclerosing poliodystrophy; Mitochondrial DNA depletion syndrome 4b; Sensory ataxic neuropathy, dysarthria, and ophthalmoparesis. Last evaluated: 2022-01-28. Review status: criteria provided, single submitter. Criteria: NYGC Assertion Criteria 2020. Collection method: clinical testing. Allele origin: germline. Observed: 1 heterozygote. Study: CSER-NYCKidSeq.

Department of Pathology and Laboratory Medicine, Sinai Health System
Classification: Uncertain significance for Progressive external ophthalmoplegia with mitochondrial DNA deletions, autosomal dominant 1; Progressive sclerosing poliodystrophy; Progressive external ophthalmoplegia with mitochondrial DNA deletions, autosomal recessive 1; Mitochondrial DNA depletion syndrome 1; Sensory ataxic neuropathy, dysarthria, and ophthalmoparesis; Mitochondrial DNA depletion syndrome 4b. Last evaluated: 2021-08-25. Review status: criteria provided, single submitter. Criteria: ACMG Guidelines, 2015. Collection method: research. Allele origin: germline.

Baylor Genetics
Classification: Likely pathogenic for Progressive external ophthalmoplegia with mitochondrial DNA deletions, autosomal recessive 1. Last evaluated: 2020-11-04. Review status: criteria provided, single submitter. Criteria: ACMG Guidelines, 2015. Collection method: clinical testing. Allele origin: unknown. Affected: yes.
Comment: This variant was determined to be likely pathogenic according to ACMG Guidelines, 2015 [PMID:25741868].

Victorian Clinical Genetics Services, Murdoch Childrens Research Institute
Classification: Uncertain significance for Mitochondrial disease. Last evaluated: 2020-06-11. Review status: criteria provided, single submitter. Criteria: ACMG Guidelines, 2015. Collection method: clinical testing. Allele origin: germline. Affected: yes.
Comment: Based on the classification scheme VCGS_Germline_v1.1.1, this variant is classified as 3A-VUS. Following criteria are met: 0102 - Loss-of-function is a known mechanism of disease for this gene. (N) 0108 - This gene is known to be associated with both recessive and dominant disease. Variants in the centre of motif B in the polymerase domain (highly conserved active site), result in dominant disease (PMID: 28480171). (N) 0200 - Variant is predicted to result in a missense amino acid change from an asparagine to an aspartate (exon 7). (N) 0251 - Variant is heterozygous. (N) 0304 - Variant is present in gnomAD <0.01 for a recessive condition (138 heterozygotes, 0 homozygotes). (P) 0309 - An alternative amino acid change at the same position has been observed in gnomAD (6 heterozygotes, 0 homozygotes). (N) 0504 - Same amino acid change has been observed in mammals. (B) 0604 - Variant is not located in an established domain, motif, hotspot or informative constraint region. (N) 0705 - No comparable variants have previous evidence for pathogenicity. (N) 0808 - Previous reports of pathogenicity are conflicting. It has been reported as compound heterozygous with another variant in patients with progressive external ophthalmoplegia. However, it has been classified as both pathogenic and VUS in ClinVar (PMID: 22647225, 16401742). (N) 1208 - Inheritance information for this variant is not currently available. (N) Legend: (P) - Pathogenic, (N) - Neutral, (B) - Benign

Genome Diagnostics Laboratory, The Hospital for Sick Children
Classification: Uncertain significance for Hereditary spastic paraplegia. Last evaluated: 2020-04-01. Review status: criteria provided, single submitter. Criteria: ACMG Guidelines, 2015. Collection method: clinical testing. Allele origin: germline. Affected: yes.

Fulgent Genetics
Classification: Uncertain significance for Progressive external ophthalmoplegia with mitochondrial DNA deletions, autosomal dominant 1; Progressive sclerosing poliodystrophy; Progressive external ophthalmoplegia with mitochondrial DNA deletions, autosomal recessive 1; Mitochondrial DNA depletion syndrome 1; Sensory ataxic neuropathy, dysarthria, and ophthalmoparesis; Mitochondrial DNA depletion syndrome 4b. Last evaluated: 2018-10-31. Review status: criteria provided, single submitter. Criteria: ACMG Guidelines, 2015. Collection method: clinical testing. Allele origin: unknown.

Wong Mito Lab, Molecular and Human Genetics, Baylor College of Medicine
Classification: Pathogenic for Progressive sclerosing poliodystrophy. Last evaluated: 2018-10-01. Review status: criteria provided, single submitter. Criteria: ACMG Guidelines, 2015. Collection method: clinical testing. Allele origin: germline.
Comment: The NM_002693.2:c.1402A>G (NP_002684.1:p.Asn468Asp) [GRCH38: NC_000015.10:g.89327198T>C] variant in POLG gene is interpretated to be a Pathogenic based on ACMG guidelines (PMID: 25741868). This variant has been reported in PMID:15351195 ; 16401742 . This variant meets the following evidence codes reported in the ACMG-guideline. PS4:Prevalence of variant in affecteds statistically increased over controls. PS1:This variation causes same amino-acid change as an established pathogenic variant. PS3:Well established functional studies show a deleterious effect on POLG. Based on the evidence criteria codes applied, the variant is suggested to be Pathogenic.

Eurofins Ntd Llc (ga)
Classification: Uncertain significance. Last evaluated: 2018-04-17. Review status: criteria provided, single submitter. Criteria: EGL ClinVar v180209 classification definitions. Collection method: clinical testing. Allele origin: germline. Observed: 6 variant alleles, 6 heterozygotes.

Illumina Laboratory Services, Illumina
Classification: Uncertain significance for POLG-Related Spectrum Disorders. Last evaluated: 2017-04-27. Review status: criteria provided, single submitter. Criteria: ICSL Variant Classification Criteria 13 December 2019. Collection method: clinical testing. Allele origin: germline.
Comment: This variant was observed as part of a predisposition screen in an ostensibly healthy population. A literature search was performed for the gene, cDNA change, and amino acid change (where applicable). Publications were found based on this search. However, the evidence from the literature, in combination with allele frequency data from public databases where available, was not sufficient to rule this variant in or out of causing disease. Therefore, this variant is classified as a variant of unknown significance.

Baylor Genetics
Classification: Likely pathogenic for Progressive sclerosing poliodystrophy; Mitochondrial DNA depletion syndrome 4b. Review status: criteria provided, single submitter. Criteria: ACMG Guidelines, 2015. Collection method: clinical testing. Allele origin: germline.